The following is an entry in ClinVar:

NM_001267550.2(TTN):c.45848A>G (p.Asn15283Ser)

Gene: TTN (titin; minus strand). Cytogenetic location: 2q31.2.
Variant type: single nucleotide variant.
Coding change: c.45848A>G on transcript NM_001267550.2 (MANE Select); coding-DNA position 45848, A replaced by G.
Protein change: p.Asn15283Ser; replaces asparagine 15283 with serine.
Molecular consequence: missense variant.
Genome position (GRCh38, 1-based): chr2:178,620,762, T>C on the plus strand (A>G on the coding strand, the complement: TTN is on the minus strand). VCF-style: chr2-178620762-T-C. GRCh37 (hg19) VCF-style: chr2-179485489-T-C.
Other names: c.40925A>G, p.Asn13642Ser (NM_001256850.1); c.18653A>G, p.Asn6218Ser (NM_003319.4); c.38144A>G, p.Asn12715Ser (NM_133378.4); c.19028A>G, p.Asn6343Ser (NM_133432.3); c.19229A>G, p.Asn6410Ser (NM_133437.4); short protein forms N12715S, N13642S, N6343S, N6410S, N15283S, N6218S.
Identifiers: ClinVar variation 1781568 (VCV001781568.3), dbSNP rs1326395034, ClinGen allele CA349631120.
Genomic context (GRCh38, chr2:178,620,762, plus strand): 5'-ATAAATTACTTACCTTCTACTATTAGATTGGCTGCACTTTTAACATTTTCACCTCTGTGA[T>C]TGGTCAAAGACACATTATAGTTGGCTTGGTCATCTAAGTGTGCATCTCTAATTCTGAGGG-3'
Protein context (NP_001254479.2, residues 15273-15293): DQANYNVSLT[Asn15283Ser]HRGENVKSAA

ClinVar aggregate classification (germline): Uncertain significance. Review status: criteria provided, multiple submitters, no conflicts (2 of 4 stars). 2 submissions from 2 submitters: Uncertain significance (2). Last evaluated 2026-01-11.

Conditions:
Cardiovascular phenotype. Identifiers: MedGen CN230736.
TTN-related disorder. Also called: TTN-related disorders; TTN-related condition; TTN-related disease.

Allele frequency attached by ClinVar (database versions not stated): gnomAD 0.00001; gnomAD exomes 0.00001; TOPMed 0.00001.
gnomAD v4.1: 10 of 1,612,700 alleles (0.00062%); highest among the groups gnomAD compares: Middle Eastern, 0.049%; no homozygotes.

Submissions (2):

PreventionGenetics, part of Exact Sciences
Classification: Uncertain significance for TTN-related condition. Last evaluated: 2026-01-11. Review status: criteria provided, single submitter. Criteria: ACMG Guidelines, 2015. Collection method: clinical testing. Allele origin: germline.
Comment: The TTN c.45848A>G variant is predicted to result in the amino acid substitution p.Asn15283Ser. This variant has been reported in one individual with dilated cardiomyopathy (Table S3, Mazzarotto. 2020. PubMed ID: 31983221). This variant is reported in 0.00089% of alleles in individuals of European (Non-Finnish) descent in gnomAD. At this time, the clinical significance of this variant is uncertain due to the absence of conclusive functional and genetic evidence.

Ambry Genetics
Classification: Uncertain significance for Cardiovascular phenotype. Last evaluated: 2020-08-24. Review status: criteria provided, single submitter. Criteria: Ambry Variant Classification Scheme 2023. Collection method: clinical testing. Allele origin: germline.
Comment: The p.N6218S variant (also known as c.18653A>G), located in coding exon 74 of the TTN gene, results from an A to G substitution at nucleotide position 18653. The asparagine at codon 6218 is replaced by serine, an amino acid with highly similar properties. This amino acid position is highly conserved in available vertebrate species. In addition, this alteration is predicted to be tolerated by in silico analysis. Since supporting evidence is limited at this time, the clinical significance of this alteration remains unclear.